The following is an entry in ClinVar:

ClinVar aggregate classification (germline): Conflicting classifications of pathogenicity. Review status: criteria provided, conflicting classifications (1 of 4 stars). 3 submissions from 3 submitters: Uncertain significance (2); Likely benign (1). Last evaluated 2025-08-25.

Conditions:
Inborn genetic diseases. Identifiers: MedGen C0950123, MeSH D030342.

Allele frequency attached by ClinVar (database versions not stated): TOPMed 0.00003; gnomAD exomes 0.00005 and 0.00002; ESP Exome Variant Server 0.00008; ExAC 0.00009; gnomAD 0.00003.

Submissions (3):

Ambry Genetics
Classification: Likely benign for Inborn genetic diseases. Last evaluated: 2025-08-25. Review status: criteria provided, single submitter. Criteria: Ambry Variant Classification Scheme 2023. Collection method: clinical testing. Allele origin: germline.

GeneDx
Classification: Uncertain significance. Last evaluated: 2022-12-02. Review status: criteria provided, single submitter. Criteria: GeneDx Variant Classification Process June 2021. Collection method: clinical testing. Allele origin: germline. Affected: yes.
Comment: Not observed at significant frequency in large population cohorts (gnomAD); In silico analysis supports that this missense variant does not alter protein structure/function; Has not been previously published as pathogenic or benign to our knowledge

Labcorp Genetics (formerly Invitae), Labcorp
Classification: Uncertain significance. Last evaluated: 2022-07-12. Review status: criteria provided, single submitter. Criteria: Invitae Variant Classification Sherloc (09022015). Collection method: clinical testing. Allele origin: germline.
Comment: This sequence change replaces glutamine, which is neutral and polar, with arginine, which is basic and polar, at codon 363 of the TSEN54 protein (p.Gln363Arg). The frequency data for this variant in the population databases is considered unreliable, as metrics indicate poor data quality at this position in the gnomAD database. This variant has not been reported in the literature in individuals affected with TSEN54-related conditions. ClinVar contains an entry for this variant (Variation ID: 1416900). Algorithms developed to predict the effect of missense changes on protein structure and function output the following: SIFT: "Tolerated"; PolyPhen-2: "Benign"; Align-GVGD: "Class C0". The arginine amino acid residue is found in multiple mammalian species, which suggests that this missense change does not adversely affect protein function. In summary, the available evidence is currently insufficient to determine the role of this variant in disease. Therefore, it has been classified as a Variant of Uncertain Significance.

NM_207346.3(TSEN54):c.1088A>G (p.Gln363Arg)

Gene: TSEN54 (tRNA splicing endonuclease subunit 54; plus strand). Cytogenetic location: 17q25.1.
Variant type: single nucleotide variant.
Coding change: c.1088A>G on transcript NM_207346.3 (MANE Select); coding-DNA position 1088, A replaced by G.
Protein change: p.Gln363Arg; replaces glutamine 363 with arginine.
Molecular consequence: missense variant.
Genome position (GRCh38, 1-based): chr17:75,522,169, A>G. VCF-style: chr17-75522169-A-G. GRCh37 (hg19) VCF-style: chr17-73518250-A-G.
Other names: c.1088A>G (NM_207346.2); short protein forms Q363R.
Identifiers: ClinVar variation 1416900 (VCV001416900.4), dbSNP rs371709232, ClinGen allele CA8764345.
Genomic context (GRCh38, chr17:75,522,169, plus strand): 5'-AGCGCAAGGAGAAGCTCTCCAGGCGGGAACGGGAGCACCACGCGGAGGCCGCGCAGTTCC[A>G]GGAAGATGTCAACGCCGATCCCGAGGTGCAGCGGTGCTCCAGCTGGCGGGAGTACAAGGA-3'
Protein context (NP_997229.2, residues 353-373): REHHAEAAQF[Gln363Arg]EDVNADPEVQ